The following is an entry in ClinVar:

ClinVar aggregate classification (germline): Uncertain significance. Review status: criteria provided, multiple submitters, no conflicts (2 of 4 stars). 2 submissions from 2 submitters: Uncertain significance (2). Last evaluated 2026-05-29.

Conditions:
TTN-related disorder. Also called: TTN-related condition; TTN-related disease; TTN-related disorders.

gnomAD v4.1: 1 of 1,613,478 alleles (0.000062%); no homozygotes.

Submissions (2):

PreventionGenetics, part of Exact Sciences
Classification: Uncertain significance for TTN-related condition. Last evaluated: 2026-05-29. Review status: criteria provided, single submitter. Criteria: ACMG Guidelines, 2015. Collection method: clinical testing. Allele origin: germline.
Comment: The TTN c.95998A>C variant is predicted to result in the amino acid substitution p.Ile32000Leu. To our knowledge, this variant has not been reported in the literature or in a large population database (gnomAD), indicating this variant is rare. At this time, the clinical significance of this variant is uncertain due to the absence of conclusive functional and genetic evidence.

Revvity Omics, Revvity
Classification: Uncertain significance. Last evaluated: 2021-02-18. Review status: criteria provided, single submitter. Criteria: ACMG Guidelines, 2015. Collection method: clinical testing. Allele origin: germline.

NM_001267550.2(TTN):c.95998A>C (p.Ile32000Leu)

Genes: TTN (titin; minus strand), TTN-AS1 (TTN antisense RNA 1; plus strand). Cytogenetic location: 2q31.2.
Variant type: single nucleotide variant.
Coding change: c.95998A>C on transcript NM_001267550.2 (MANE Select); coding-DNA position 95998, A replaced by C.
Protein change: p.Ile32000Leu; replaces isoleucine 32000 with leucine.
Molecular consequence: missense variant.
Genome position (GRCh38, 1-based): chr2:178,544,231, T>G on the plus strand (A>C on the coding strand, the complement: TTN is on the minus strand). VCF-style: chr2-178544231-T-G. GRCh37 (hg19) VCF-style: chr2-179408958-T-G.
Other names: c.91075A>C, p.Ile30359Leu (NM_001256850.1); c.68803A>C, p.Ile22935Leu (NM_003319.4); c.88294A>C, p.Ile29432Leu (NM_133378.4); c.69178A>C, p.Ile23060Leu (NM_133432.3); c.69379A>C, p.Ile23127Leu (NM_133437.4); short protein forms I22935L, I23060L, I23127L, I29432L, I30359L, I32000L.
Identifiers: ClinVar variation 2437907 (VCV002437907.4), dbSNP rs769971164, ClinGen allele CA349455178.